The following is an entry in ClinVar:

ClinVar aggregate classification (germline): Likely benign. Review status: criteria provided, multiple submitters, no conflicts (2 of 4 stars). 4 submissions from 4 submitters: Likely benign (3). 1 of the submissions does not count toward it. Last evaluated 2025-10-15.

Conditions:
Autosomal recessive nonsyndromic hearing loss 84B. Also called: Deafness, autosomal recessive 84b. Identifiers: Orphanet 90636, MedGen C3554159, MONDO:0013984, OMIM 614944.

Allele frequency attached by ClinVar (database versions not stated): ExAC 0.00001; gnomAD 0.00148; 1000 Genomes Project 30x 0.00265.

Submissions (4):

Labcorp Genetics (formerly Invitae), Labcorp
Classification: Likely benign. Last evaluated: 2025-10-15. Review status: criteria provided, single submitter. Criteria: Invitae Variant Classification Sherloc (09022015). Collection method: clinical testing. Allele origin: germline.

Blueprint Genetics
Classification: Likely benign. Last evaluated: 2024-06-11. Review status: criteria provided, single submitter. Criteria: ACMG Guidelines, 2015. Collection method: clinical testing. Allele origin: germline.

GeneDx
Classification: Likely benign. Last evaluated: 2020-08-24. Review status: criteria provided, single submitter. Criteria: GeneDx Variant Classification Process June 2021. Collection method: clinical testing. Allele origin: germline. Affected: yes.

Wonkam Laboratory, Johns Hopkins University
Classification: Uncertain significance for Autosomal recessive nonsyndromic hearing loss 84B. Last evaluated: 2024-01-06. Review status: no assertion criteria provided. Collection method: research. Allele origin: maternal. Inheritance: Autosomal recessive inheritance. Affected: yes. Observed: 2 variant alleles. Not counted in ClinVar's aggregate classification.
Comment: The variant NM_173591.3 c.209-9C>G is absent from controls (or at extremely low frequency if recessive) in Exome Sequencing Project, 1000 Genomes Project, or Exome Aggregation Consortium (PM2), cosegregation with disease in multiple affected family members in a gene definitively known to cause the disease (PP1), Patient's phenotype or family history is highly specific for a disease with a single genetic etiology (PP4). This variant was identified as compound heterzygote with NM_173591.3 c.5685C>A in only afffected individuals of the family.

NM_001378609.3(OTOGL):c.236-9C>G

Gene: OTOGL (otogelin like; plus strand). Cytogenetic location: 12q21.31.
Variant type: single nucleotide variant.
Coding change: c.236-9C>G on transcript NM_001378609.3 (MANE Select); 9 bases into the intron before coding-DNA position 236, C replaced by G.
Molecular consequence: intron variant.
Genome position (GRCh38, 1-based): chr12:80,219,805, C>G. VCF-style: chr12-80219805-C-G. GRCh37 (hg19) VCF-style: chr12-80613585-C-G.
Other names: c.236-9C>G (NM_001368062.3, NM_001378610.3, NM_173591.7).
Identifiers: ClinVar variation 730011 (VCV000730011.13), dbSNP rs773199567, ClinGen allele CA6700115.